The following is an entry in ClinVar:

NM_032444.4(SLX4):c.5318A>G (p.Tyr1773Cys)

Gene: SLX4 (SLX4 structure-specific endonuclease subunit; minus strand). Cytogenetic location: 16p13.3.
Variant type: single nucleotide variant.
Coding change: c.5318A>G on transcript NM_032444.4 (MANE Select); coding-DNA position 5318, A replaced by G.
Protein change: p.Tyr1773Cys; replaces tyrosine 1773 with cysteine.
Molecular consequence: missense variant.
Genome position (GRCh38, 1-based): chr16:3,582,529, T>C on the plus strand (A>G on the coding strand, the complement: SLX4 is on the minus strand). VCF-style: chr16-3582529-T-C. GRCh37 (hg19) VCF-style: chr16-3632530-T-C.
Other names: short protein forms Y1773C.
Identifiers: ClinVar variation 1346776 (VCV001346776.6), dbSNP rs769567874, ClinGen allele CA7865340.

ClinVar aggregate classification (germline): Uncertain significance (1 of 4 stars; one submission).

Conditions:
Fanconi anemia (FA). Also called: Fanconi's anemia. Identifiers: Orphanet 84, MedGen C0015625, MeSH D005199, MONDO:0019391.

Allele frequency attached by ClinVar (database versions not stated): ExAC 0.00001; gnomAD 0.00001; gnomAD exomes 0.00001; TOPMed 0.00003.
gnomAD v4.1: 5 of 1,613,874 alleles (0.00031%); highest among the groups gnomAD compares: Admixed American, 0.0033%; no homozygotes.

Submission:

Labcorp Genetics (formerly Invitae), Labcorp
Classification: Uncertain significance for Fanconi anemia. Last evaluated: 2022-02-22. Review status: criteria provided, single submitter. Criteria: Invitae Variant Classification Sherloc (09022015). Collection method: clinical testing. Allele origin: germline.
Comment: This sequence change replaces tyrosine, which is neutral and polar, with cysteine, which is neutral and slightly polar, at codon 1773 of the SLX4 protein (p.Tyr1773Cys). This variant is present in population databases (rs769567874, gnomAD 0.009%). In summary, the available evidence is currently insufficient to determine the role of this variant in disease. Therefore, it has been classified as a Variant of Uncertain Significance. Algorithms developed to predict the effect of missense changes on protein structure and function (SIFT, PolyPhen-2, Align-GVGD) all suggest that this variant is likely to be disruptive. This variant has not been reported in the literature in individuals affected with SLX4-related conditions.